The following is an entry in ClinVar:

NM_001291303.3(FAT4):c.3328G>A (p.Glu1110Lys)

Gene: FAT4 (FAT atypical cadherin 4; plus strand). Cytogenetic location: 4q28.1.
Variant type: single nucleotide variant.
Coding change: c.3328G>A on transcript NM_001291303.3 (MANE Select); coding-DNA position 3328, G replaced by A.
Protein change: p.Glu1110Lys; replaces glutamic acid 1110 with lysine.
Molecular consequence: missense variant.
Genome position (GRCh38, 1-based): chr4:125,319,739, G>A. VCF-style: chr4-125319739-G-A. GRCh37 (hg19) VCF-style: chr4-126240894-G-A.
Other names: c.3328G>A, p.Glu1110Lys (NM_001291285.3, NM_024582.6); c.3328G>A (NM_024582.5); short protein forms E1110K.
Identifiers: ClinVar variation 373650 (VCV000373650.6), dbSNP rs377275274, ClinGen allele CA3072298.

ClinVar aggregate classification (germline): Uncertain significance. Review status: criteria provided, multiple submitters, no conflicts (2 of 4 stars). 4 submissions from 4 submitters: Uncertain significance (4). Last evaluated 2025-11-05.

Conditions:
Van Maldergem syndrome 2 (VMLDS2). Identifiers: Orphanet 314679, MedGen C3809875, MONDO:0014242, OMIM 615546.
Hennekam lymphangiectasia-lymphedema syndrome 2 (HKLLS2). Identifiers: Orphanet 2136, MedGen C4014939, MONDO:0014454, OMIM 616006.
Inborn genetic diseases. Identifiers: MedGen C0950123, MeSH D030342.

Allele frequency attached by ClinVar (database versions not stated): gnomAD 0.00003 and 0.00004; gnomAD exomes 0.00004 and 0.00003; TOPMed 0.00005; ESP Exome Variant Server 0.00025; ExAC 0.00004.
gnomAD v4.1: 44 of 1,614,144 alleles (0.0027%); highest among the groups gnomAD compares: Non-Finnish European, 0.0031%; no homozygotes.

Submissions (4):

Ambry Genetics
Classification: Uncertain significance for Inborn genetic diseases. Last evaluated: 2025-11-05. Review status: criteria provided, single submitter. Criteria: Ambry Variant Classification Scheme 2023. Collection method: clinical testing. Allele origin: germline.

Labcorp Genetics (formerly Invitae), Labcorp
Classification: Uncertain significance. Last evaluated: 2024-11-05. Review status: criteria provided, single submitter. Criteria: Invitae Variant Classification Sherloc (09022015). Collection method: clinical testing. Allele origin: germline.
Comment: This sequence change replaces glutamic acid, which is acidic and polar, with lysine, which is basic and polar, at codon 1110 of the FAT4 protein (p.Glu1110Lys). This variant is present in population databases (rs377275274, gnomAD 0.008%). This variant has not been reported in the literature in individuals affected with FAT4-related conditions. ClinVar contains an entry for this variant (Variation ID: 373650). Invitae Evidence Modeling of protein sequence and biophysical properties (such as structural, functional, and spatial information, amino acid conservation, physicochemical variation, residue mobility, and thermodynamic stability) indicates that this missense variant is not expected to disrupt FAT4 protein function with a negative predictive value of 80%. In summary, the available evidence is currently insufficient to determine the role of this variant in disease. Therefore, it has been classified as a Variant of Uncertain Significance.

Fulgent Genetics
Classification: Uncertain significance for Van Maldergem syndrome 2; Hennekam lymphangiectasia-lymphedema syndrome 2. Last evaluated: 2024-04-04. Review status: criteria provided, single submitter. Criteria: ACMG Guidelines, 2015. Collection method: clinical testing. Allele origin: germline.

GeneDx
Classification: Uncertain significance. Last evaluated: 2016-11-27. Review status: criteria provided, single submitter. Criteria: GeneDx Variant Classification (06012015). Collection method: clinical testing. Allele origin: germline. Affected: yes.
Comment: A variant of uncertain significance has been identified in the FAT4 gene. The E1110K variant has not been published as a pathogenic variant, nor has it been reported as a benign variant to our knowledge. The E1110K variant is not observed at a significant frequency in large population cohorts (Lek et al., 2016; 1000 Genomes Consortium et al., 2015; Exome Variant Server). The E1110K variant is a non-conservative amino acid substitution, which is likely to impact secondary protein structure as these residues differ in polarity, charge, size and/or other properties. This substitution occurs at a position that is conserved in mammals; however, Lysine is observed at this position in evolution. In silico analysis is inconsistent in its predictions as to whether or not the variant is damaging to the protein structure/function. Therefore, based on the currently available information, it is unclear whether this variant is a pathogenic variant or a rare benign variant.